The following is an entry in ClinVar:

ClinVar aggregate classification (germline): Benign/Likely benign. Review status: criteria provided, multiple submitters, no conflicts (2 of 4 stars). 4 submissions from 4 submitters: Benign (1); Likely benign (3). Last evaluated 2025-08-11.

Conditions:
Retinal dystrophy. Also called: Inherited retinal dystrophy. Identifiers: Orphanet 71862, MedGen C0854723, MeSH D058499, MONDO:0019118, HP:0000556.
PROM1-related disorder. Also called: PROM1-related disorders; PROM1-related condition.

Allele frequency attached by ClinVar (database versions not stated): 1000 Genomes Project 30x 0.00031; gnomAD 0.00032; 1000 Genomes Project 0.00040; TOPMed 0.00052; ExAC 0.00057.
gnomAD v4.1: 152 of 1,608,590 alleles (0.0094%); highest among the groups gnomAD compares: East Asian, 0.27%; no homozygotes.

Submissions (4):

Labcorp Genetics (formerly Invitae), Labcorp
Classification: Benign. Last evaluated: 2025-08-11. Review status: criteria provided, single submitter. Criteria: Invitae Variant Classification Sherloc (09022015). Collection method: clinical testing. Allele origin: germline.

PreventionGenetics, part of Exact Sciences
Classification: Likely benign for PROM1-related condition. Last evaluated: 2024-12-18. Review status: criteria provided, single submitter. Criteria: ACMG Guidelines, 2015. Collection method: clinical testing. Allele origin: germline.
Comment: This variant is classified as likely benign based on ACMG/AMP sequence variant interpretation guidelines (Richards et al. 2015 PMID: 25741868, with internal and published modifications).

Blueprint Genetics
Classification: Likely benign. Last evaluated: 2024-11-13. Review status: criteria provided, single submitter. Criteria: ACMG Guidelines, 2015. Collection method: clinical testing. Allele origin: germline.

Dept Of Ophthalmology, Nagoya University
Classification: Likely benign for Retinal dystrophy. Last evaluated: 2023-10-01. Review status: criteria provided, single submitter. Criteria: Submitter's publication. Collection method: research. Allele origin: germline. Affected: yes.

NM_006017.3(PROM1):c.333A>G (p.Leu111=)

Gene: PROM1 (prominin 1; minus strand). Cytogenetic location: 4p15.32.
Variant type: single nucleotide variant.
Coding change: c.333A>G on transcript NM_006017.3 (MANE Select); coding-DNA position 333, A replaced by G.
Protein change: p.Leu111=; no amino-acid change (leucine 111 retained).
Molecular consequence: synonymous variant.
Genome position (GRCh38, 1-based): chr4:16,033,480, T>C on the plus strand (A>G on the coding strand, the complement: PROM1 is on the minus strand). VCF-style: chr4-16033480-T-C. GRCh37 (hg19) VCF-style: chr4-16035103-T-C.
Other names: c.306A>G, p.Leu102= (NM_001145847.2, NM_001145848.2, NM_001145851.2 and 4 more transcripts); c.333A>G, p.Leu111= (NM_001145849.2, NM_001145850.2).
Identifiers: ClinVar variation 734990 (VCV000734990.14), dbSNP rs182877482, ClinGen allele CA2867096.
Genomic context (GRCh38, chr4:16,033,480, plus strand): 5'-ACAAAAGAAATACCCCACCAGAGGCATCAGAATAATAAACAGCAGCCCCAGGACACAGCA[T>C]AGAATAATCCCTGCTTCATAGTAGACAATCTGCAATTCAAACAAAAGAAACAGCACATAT-3'
Protein context (NP_006008.1, residues 101-121): KIVYYEAGII[Leu111=]CCVLGLLFII